The following is an entry in ClinVar:

NM_001126108.2(SLC12A3):c.966G>A (p.Ala322=)

Gene: SLC12A3 (solute carrier family 12 member 3; plus strand). Cytogenetic location: 16q13.
Variant type: single nucleotide variant.
Coding change: c.966G>A on transcript NM_001126108.2 (MANE Select); coding-DNA position 966, G replaced by A.
Protein change: p.Ala322=; no amino-acid change (alanine 322 retained).
Molecular consequence: synonymous variant.
Genome position (GRCh38, 1-based): chr16:56,872,657, G>A. VCF-style: chr16-56872657-G-A. GRCh37 (hg19) VCF-style: chr16-56906569-G-A.
Other names: c.966G>A, p.Ala322= (NM_000339.3); c.963G>A, p.Ala321= (NM_001126107.2).
Identifiers: ClinVar variation 790165 (VCV000790165.13), dbSNP rs149172580, ClinGen allele CA8069292.

ClinVar aggregate classification (germline): Conflicting classifications of pathogenicity. Review status: criteria provided, conflicting classifications (1 of 4 stars). 3 submissions from 3 submitters: Uncertain significance (1); Benign (1). 1 of the submissions does not count toward it. Last evaluated 2025-09-14.

Conditions:
Familial hypokalemia-hypomagnesemia (GTLMNS). Also called: HYPOMAGNESEMIA-HYPOKALEMIA, PRIMARY RENOTUBULAR, WITH HYPOCALCIURIA; POTASSIUM AND MAGNESIUM DEPLETION; gitelman syndrome. Identifiers: Orphanet 358, MedGen C0268450, MONDO:0009904, OMIM 263800.

Allele frequency attached by ClinVar (database versions not stated): 1000 Genomes Project 30x 0.00016; 1000 Genomes Project 0.00020; ExAC 0.00021; ESP Exome Variant Server 0.00054; gnomAD 0.00072 and 0.00063; TOPMed 0.00082; gnomAD exomes 0.00017.
gnomAD v4.1: 219 of 1,614,242 alleles (0.014%); highest among the groups gnomAD compares: African/African-American, 0.23%; no homozygotes.

Submissions (3):

Labcorp Genetics (formerly Invitae), Labcorp
Classification: Benign. Last evaluated: 2025-09-14. Review status: criteria provided, single submitter. Criteria: Invitae Variant Classification Sherloc (09022015). Collection method: clinical testing. Allele origin: germline.

Women's Health and Genetics/Laboratory Corporation of America, LabCorp
Classification: Uncertain significance. Last evaluated: 2024-09-18. Review status: criteria provided, single submitter. Criteria: LabCorp Variant Classification Summary - May 2015. Collection method: clinical testing. Allele origin: germline.
Comment: Variant summary: SLC12A3 c.966G>A (p.Ala322Ala) alters a conserved nucleotide located close to a canonical splice site and therefore could affect mRNA splicing, leading to a significantly altered protein sequence. Several computational tools predict a significant impact on normal splicing: Two predict the variant weakens a 3' acceptor site. Three predict the variant creates a 3' acceptor site. However, these predictions have yet to be confirmed by functional studies. The variant allele was found at a frequency of 0.00017 in 251446 control chromosomes, predominantly at a frequency of 0.0021 within the African or African-American subpopulation in the gnomAD database. This frequency is not significantly higher than estimated for a pathogenic variant in SLC12A3 causing Familial Hypokalemia-Hypomagnesemia, allowing no conclusion about variant significance. To our knowledge, no occurrence of c.966G>A in individuals affected with Familial Hypokalemia-Hypomagnesemia and no experimental evidence demonstrating its impact on protein function have been reported. ClinVar contains an entry for this variant (Variation ID: 790165). Based on the evidence outlined above, the variant was classified as uncertain significance.

Natera, Inc.
Classification: Uncertain significance for Gitelman syndrome. Last evaluated: 2020-03-10. Review status: no assertion criteria provided. Collection method: clinical testing. Allele origin: germline. Not counted in ClinVar's aggregate classification.